The following is an entry in ClinVar:

ClinVar aggregate classification (germline): Uncertain significance. Review status: criteria provided, multiple submitters, no conflicts (2 of 4 stars). 2 submissions from 2 submitters: Uncertain significance (2). Last evaluated 2024-06-09.

Conditions:
Hereditary nonpolyposis colorectal neoplasms. Identifiers: MedGen C0009405, MeSH D003123.
Hereditary cancer-predisposing syndrome. Also called: Hereditary Cancer Syndrome; Hereditary neoplastic syndrome; Neoplastic Syndromes, Hereditary; Tumor predisposition. Identifiers: Orphanet 140162, MedGen C0027672, MeSH D009386, MONDO:0015356.

gnomAD v4.1: 1 of 1,614,222 alleles (0.000062%); no homozygotes.

Submissions (2):

Labcorp Genetics (formerly Invitae), Labcorp
Classification: Uncertain significance for Hereditary nonpolyposis colorectal neoplasms. Last evaluated: 2024-06-09. Review status: criteria provided, single submitter. Criteria: Invitae Variant Classification Sherloc (09022015). Collection method: clinical testing. Allele origin: germline.
Comment: This sequence change replaces serine, which is neutral and polar, with cysteine, which is neutral and slightly polar, at codon 463 of the PMS2 protein (p.Ser463Cys). This variant is not present in population databases (gnomAD no frequency). This variant has not been reported in the literature in individuals affected with PMS2-related conditions. ClinVar contains an entry for this variant (Variation ID: 1771453). Advanced modeling of protein sequence and biophysical properties (such as structural, functional, and spatial information, amino acid conservation, physicochemical variation, residue mobility, and thermodynamic stability) performed at Invitae indicates that this missense variant is not expected to disrupt PMS2 protein function with a negative predictive value of 80%. In summary, the available evidence is currently insufficient to determine the role of this variant in disease. Therefore, it has been classified as a Variant of Uncertain Significance.

Ambry Genetics
Classification: Uncertain significance for Hereditary cancer-predisposing syndrome. Last evaluated: 2022-04-03. Review status: criteria provided, single submitter. Criteria: Ambry Variant Classification Scheme 2023. Collection method: clinical testing. Allele origin: germline.
Comment: The p.S463C variant (also known as c.1388C>G), located in coding exon 11 of the PMS2 gene, results from a C to G substitution at nucleotide position 1388. The serine at codon 463 is replaced by cysteine, an amino acid with dissimilar properties. This amino acid position is conserved. In addition, this alteration is predicted to be tolerated by in silico analysis. Since supporting evidence is limited at this time, the clinical significance of this alteration remains unclear.

NM_000535.7(PMS2):c.1388C>G (p.Ser463Cys)

Gene: PMS2 (PMS1 homolog 2, mismatch repair system component; minus strand). Cytogenetic location: 7p22.1.
Variant type: single nucleotide variant.
Coding change: c.1388C>G on transcript NM_000535.7 (MANE Select); coding-DNA position 1388, C replaced by G.
Protein change: p.Ser463Cys; replaces serine 463 with cysteine.
Molecular consequence: missense variant. On other transcripts: non-coding transcript variant (1).
Genome position (GRCh38, 1-based): chr7:5,987,377, G>C on the plus strand (C>G on the coding strand, the complement: PMS2 is on the minus strand). VCF-style: chr7-5987377-G-C. GRCh37 (hg19) VCF-style: chr7-6027008-G-C.
Other names: c.455C>G, p.Ser152Cys (NM_001322012.2, NM_001322011.2); c.815C>G, p.Ser272Cys (NM_001322013.2, NM_001406909.1); c.1388C>G, p.Ser463Cys (NM_001322014.2, NM_001406871.1, NM_001406872.1); c.1079C>G, p.Ser360Cys (NM_001322015.2, NM_001406875.1, NM_001406877.1 and 5 more transcripts); c.1574C>G, p.Ser525Cys (NM_001406866.1); c.1412C>G, p.Ser471Cys (NM_001406868.1); c.1280C>G, p.Ser427Cys (NM_001406869.1); c.1232C>G, p.Ser411Cys (NM_001406870.1, NM_001322006.2); and 12 more; short protein forms S276C, S305C, S328C, S397C, S463C, S206C, S292C, S341C.
Identifiers: ClinVar variation 1771453 (VCV001771453.4), dbSNP rs2128731780, ClinGen allele CA366742160.
Genomic context (GRCh38, chr7:5,987,377, plus strand): 5'-TCACTGGGTCCGTGACTGGAACTCACTGCCTCTTTCTGAGGTCTCAGGACGCCTTTGTCA[G>C]AGATGGCACCTGAAGTGCTAGAAGACAGCATACCCCTTTTCTGTCCTAGAGGGCTCCTTC-3'
Protein context (NP_000526.2, residues 453-473): MLSSSTSGAI[Ser463Cys]DKGVLRPQKE